The following is an entry in ClinVar:

ClinVar aggregate classification (germline): Likely pathogenic (1 of 4 stars; one submission).

Conditions:
Congenital myotonia, autosomal recessive form. Also called: Becker Generalized Myotonia; BECKER DISEASE; myotonia congenita, autosomal recessive. Identifiers: Orphanet 614, MedGen C0751360, MONDO:0009715, OMIM 255700.
Congenital myotonia, autosomal dominant form (THD). Also called: THOMSEN DISEASE; Myotonia congenita autosomal dominant. Identifiers: Orphanet 614, MedGen C2936781, MONDO:0008055, OMIM 160800.

gnomAD v4.1: 5 of 1,614,148 alleles (0.00031%); highest among the groups gnomAD compares: Non-Finnish European, 0.00042%; no homozygotes.

Submission:

Labcorp Genetics (formerly Invitae), Labcorp
Classification: Likely pathogenic for Congenital myotonia, autosomal recessive form; Congenital myotonia, autosomal dominant form. Last evaluated: 2021-02-03. Review status: criteria provided, single submitter. Criteria: Invitae Variant Classification Sherloc (09022015). Collection method: clinical testing. Allele origin: germline.
Comment: In summary, the currently available evidence indicates that the variant is pathogenic, but additional data are needed to prove that conclusively. Therefore, this variant has been classified as Likely Pathogenic. This variant disrupts the p.Arg317 amino acid residue in CLCN1. Other variant(s) that disrupt this residue have been determined to be pathogenic (PMID: 8533761, 8845168, Invitae). This suggests that this residue is clinically significant, and that variants that disrupt this residue are likely to be disease-causing. Advanced modeling of protein sequence and biophysical properties (such as structural, functional, and spatial information, amino acid conservation, physicochemical variation, residue mobility, and thermodynamic stability) performed at Invitae indicates that this missense variant is expected to disrupt CLCN1 protein function. This variant has been observed in individual(s) with clinical features of autosomal dominant myotonia congenita (PMID: Invitae). This variant is not present in population databases (ExAC no frequency). This sequence change replaces arginine with proline at codon 317 of the CLCN1 protein (p.Arg317Pro). The arginine residue is highly conserved and there is a moderate physicochemical difference between arginine and proline.

Literature cited by the submitters: PubMed 8533761; PubMed 8845168.

NM_000083.3(CLCN1):c.950G>C (p.Arg317Pro)

Gene: CLCN1 (chloride voltage-gated channel 1; plus strand). Cytogenetic location: 7q34.
Variant type: single nucleotide variant.
Coding change: c.950G>C on transcript NM_000083.3 (MANE Select); coding-DNA position 950, G replaced by C.
Protein change: p.Arg317Pro; replaces arginine 317 with proline.
Molecular consequence: missense variant. On other transcripts: non-coding transcript variant (1).
Genome position (GRCh38, 1-based): chr7:143,330,868, G>C. VCF-style: chr7-143330868-G-C. GRCh37 (hg19) VCF-style: chr7-143027961-G-C.
Other names: short protein forms R317P.
Identifiers: ClinVar variation 1508818 (VCV001508818.8), dbSNP rs80356702, ClinGen allele CA369641692.